The following is an entry in ClinVar:

ClinVar aggregate classification (germline): Conflicting classifications of pathogenicity. Review status: criteria provided, conflicting classifications (1 of 4 stars). 3 submissions from 3 submitters: Likely pathogenic (1); Uncertain significance (2). Last evaluated 2025-07-24.

Conditions:
Niemann-Pick disease, type C1. Also called: NEUROVISCERAL STORAGE DISEASE WITH VERTICAL SUPRANUCLEAR OPHTHALMOPLEGIA; NIEMANN-PICK DISEASE WITH CHOLESTEROL ESTERIFICATION BLOCK; NIEMANN-PICK DISEASE WITHOUT SPHINGOMYELINASE DEFICIENCY; NIEMANN-PICK DISEASE, CHRONIC NEURONOPATHIC FORM; NIEMANN-PICK DISEASE, VARIANT TYPE C1. Identifiers: Orphanet 646, MedGen C3179455, MONDO:0009757, OMIM 257220.

Allele frequency attached by ClinVar (database versions not stated): TOPMed below 0.00001; gnomAD exomes 0.00001 and 0.00004.
gnomAD v4.1: 52 of 1,614,168 alleles (0.0032%); highest among the groups gnomAD compares: Non-Finnish European, 0.0044%; no homozygotes.

Submissions (3):

GeneDx
Classification: Uncertain significance. Last evaluated: 2025-07-24. Review status: criteria provided, single submitter. Criteria: GeneDx Variant Classification Process June 2021. Collection method: clinical testing. Allele origin: germline. Affected: yes.
Comment: Not observed at significant frequency in large population cohorts (gnomAD); In silico analysis suggests that this missense variant does not alter protein structure/function; This variant is associated with the following publications: (PMID: 15465421, 26890452, 20211931, 26666848, 11479732, 17160617, 11333381)

Labcorp Genetics (formerly Invitae), Labcorp
Classification: Uncertain significance for Niemann-Pick disease, type C1. Last evaluated: 2022-08-09. Review status: criteria provided, single submitter. Criteria: Invitae Variant Classification Sherloc (09022015). Collection method: clinical testing. Allele origin: germline.
Comment: This sequence change replaces glycine, which is neutral and non-polar, with serine, which is neutral and polar, at codon 986 of the NPC1 protein (p.Gly986Ser). This variant is present in population databases (no rsID available, gnomAD 0.003%). This missense change has been observed in individual(s) with Niemann-Pick disease type C (PMID: 11333381). ClinVar contains an entry for this variant (Variation ID: 1335969). Advanced modeling of protein sequence and biophysical properties (such as structural, functional, and spatial information, amino acid conservation, physicochemical variation, residue mobility, and thermodynamic stability) performed at Invitae indicates that this missense variant is expected to disrupt NPC1 protein function. In summary, the available evidence is currently insufficient to determine the role of this variant in disease. Therefore, it has been classified as a Variant of Uncertain Significance.

Genetic Services Laboratory, University of Chicago
Classification: Likely pathogenic. Last evaluated: 2017-10-02. Review status: criteria provided, single submitter. Criteria: ACMG Guidelines, 2015. Collection method: clinical testing. Allele origin: germline. Affected: yes.

Literature cited by the submitters: PubMed 11333381 (cited by Labcorp Genetics (formerly Invitae), Labcorp).

NM_000271.5(NPC1):c.2956G>A (p.Gly986Ser)

Gene: NPC1 (NPC intracellular cholesterol transporter 1; minus strand). Cytogenetic location: 18q11.2.
Variant type: single nucleotide variant.
Coding change: c.2956G>A on transcript NM_000271.5 (MANE Select); coding-DNA position 2956, G replaced by A.
Protein change: p.Gly986Ser; replaces glycine 986 with serine.
Molecular consequence: missense variant.
Genome position (GRCh38, 1-based): chr18:23,538,627, C>T on the plus strand (G>A on the coding strand, the complement: NPC1 is on the minus strand). VCF-style: chr18-23538627-C-T. GRCh37 (hg19) VCF-style: chr18-21118591-C-T.
Other names: short protein forms G986S.
Identifiers: ClinVar variation 1335969 (VCV001335969.10), dbSNP rs1364834942, ClinGen allele CA401792261.